The following is an entry in ClinVar:

NM_005876.5(SPEG):c.1912G>A (p.Val638Met)

Gene: SPEG (striated muscle enriched protein kinase; plus strand). Cytogenetic location: 2q35.
Variant type: single nucleotide variant.
Coding change: c.1912G>A on transcript NM_005876.5 (MANE Select); coding-DNA position 1912, G replaced by A.
Protein change: p.Val638Met; replaces valine 638 with methionine.
Molecular consequence: missense variant.
Genome position (GRCh38, 1-based): chr2:219,449,070, G>A. VCF-style: chr2-219449070-G-A. GRCh37 (hg19) VCF-style: chr2-220313792-G-A.
Other names: short protein forms V638M.
Identifiers: ClinVar variation 2042951 (VCV002042951.3), dbSNP rs1689540191, ClinGen allele CA350725061.
Genomic context (GRCh38, chr2:219,449,070, plus strand): 5'-CCCCCAGAGGCCAGGACGAAAGCACCCCCCGGTCGGAAGCGGGAGCCCCCGGCGCAGGCC[G>A]TGCGCTTCCTGCCCTGGGCCACGCCGGGCCTGGAGGGCGCTGCTGTACCCCAGACCTTGG-3'
Protein context (NP_005867.3, residues 628-648): GRKREPPAQA[Val638Met]RFLPWATPGL

ClinVar aggregate classification (germline): Uncertain significance (1 of 4 stars; one submission).

Allele frequency attached by ClinVar (database versions not stated): gnomAD exomes below 0.00001; TOPMed below 0.00001.
gnomAD v4.1: 4 of 1,516,966 alleles (0.00026%); highest among the groups gnomAD compares: Non-Finnish European, 0.00035%; no homozygotes.

Submission:

Labcorp Genetics (formerly Invitae), Labcorp
Classification: Uncertain significance. Last evaluated: 2022-08-21. Review status: criteria provided, single submitter. Criteria: Invitae Variant Classification Sherloc (09022015). Collection method: clinical testing. Allele origin: germline.
Comment: Algorithms developed to predict the effect of missense changes on protein structure and function are either unavailable or do not agree on the potential impact of this missense change (SIFT: "Deleterious"; PolyPhen-2: "Probably Damaging"; Align-GVGD: "Class C0"). This variant has not been reported in the literature in individuals affected with SPEG-related conditions. This variant is not present in population databases (gnomAD no frequency). This sequence change replaces valine, which is neutral and non-polar, with methionine, which is neutral and non-polar, at codon 638 of the SPEG protein (p.Val638Met). In summary, the available evidence is currently insufficient to determine the role of this variant in disease. Therefore, it has been classified as a Variant of Uncertain Significance.